The following is an entry in ClinVar:

NM_003705.5(SLC25A12):c.777C>G (p.Arg259=)

Gene: SLC25A12 (solute carrier family 25 member 12; minus strand). Cytogenetic location: 2q31.1.
Variant type: single nucleotide variant.
Coding change: c.777C>G on transcript NM_003705.5 (MANE Select); coding-DNA position 777, C replaced by G.
Protein change: p.Arg259=; no amino-acid change (arginine 259 retained).
Molecular consequence: synonymous variant. On other transcripts: non-coding transcript variant (1).
Genome position (GRCh38, 1-based): chr2:171,834,031, G>C on the plus strand (C>G on the coding strand, the complement: SLC25A12 is on the minus strand). VCF-style: chr2-171834031-G-C. GRCh37 (hg19) VCF-style: chr2-172690541-G-C.
Identifiers: ClinVar variation 1432343 (VCV001432343.15), dbSNP rs202132464, ClinGen allele CA429841118.
Genomic context (GRCh38, chr2:171,834,031, plus strand): 5'-ATTATATAAGTCTGCAAGCTGATATAGAATATCAATTTCTAGTGGTGTGACTTGTCCATA[G>C]CGTATGGCACTCTGGGCAAATTCCTCTGGAACAGAGAAAAAAAAAGTTAAAATCTTGAAT-3'
Protein context (NP_003696.2, residues 249-269): TKEEFAQSAI[Arg259=]YGQVTPLEID

ClinVar aggregate classification (germline): Likely benign. Review status: criteria provided, multiple submitters, no conflicts (2 of 4 stars). 2 submissions from 2 submitters: Likely benign (2). Last evaluated 2025-09-01.

gnomAD v4.1: 2 of 1,609,162 alleles (0.00012%); highest among the groups gnomAD compares: Non-Finnish European, 0.00017%; no homozygotes.

Submissions (2):

CeGaT Center for Human Genetics Tuebingen
Classification: Likely benign. Last evaluated: 2025-09-01. Review status: criteria provided, single submitter. Criteria: CeGaT Center For Human Genetics Tuebingen Variant Classification Criteria Version 2. Collection method: clinical testing. Allele origin: germline. Affected: yes. Observed: 1 variant allele.
Comment: SLC25A12: BP4, BP7

Labcorp Genetics (formerly Invitae), Labcorp
Classification: Likely benign. Last evaluated: 2024-02-24. Review status: criteria provided, single submitter. Criteria: Invitae Variant Classification Sherloc (09022015). Collection method: clinical testing. Allele origin: germline.